The following is an entry in ClinVar:

NM_001008216.2(GALE):c.288G>A (p.Glu96=)

Gene: GALE (UDP-galactose-4-epimerase; minus strand). Cytogenetic location: 1p36.11.
Variant type: single nucleotide variant.
Coding change: c.288G>A on transcript NM_001008216.2 (MANE Select); coding-DNA position 288, G replaced by A.
Protein change: p.Glu96=; no amino-acid change (glutamic acid 96 retained).
Molecular consequence: synonymous variant.
Genome position (GRCh38, 1-based): chr1:23,798,180, C>T on the plus strand (G>A on the coding strand, the complement: GALE is on the minus strand). VCF-style: chr1-23798180-C-T. GRCh37 (hg19) VCF-style: chr1-24124670-C-T.
Other names: c.288G>A (NM_000403.3); c.288G>A, p.Glu96= (NM_000403.4, NM_001127621.2).
Identifiers: ClinVar variation 2960143 (VCV002960143.4), dbSNP rs968880726, ClinGen allele CA19282089.

ClinVar aggregate classification (germline): Likely benign. Review status: criteria provided, multiple submitters, no conflicts (2 of 4 stars). 2 submissions from 2 submitters: Likely benign (2). Last evaluated 2026-07-10.

Conditions:
GALE-related disorder. Also called: GALE-related condition.
UDPglucose-4-epimerase deficiency. Also called: UDPglucose 4-Epimerase Deficiency Disease; Epimerase Deficiency Galactosemia; UDP-GALACTOSE-4-EPIMERASE DEFICIENCY; Galactose epimerase deficiency; GALACTOSEMIA III; GALE DEFICIENCY. Identifiers: Orphanet 352, Orphanet 79238, MedGen C0751161, MONDO:0009257, OMIM 230350.

Allele frequency attached by ClinVar (database versions not stated): gnomAD 0.00002; TOPMed 0.00002.
gnomAD v4.1: 11 of 1,614,024 alleles (0.00068%); highest among the groups gnomAD compares: African/African-American, 0.0013%; no homozygotes.

Submissions (2):

PreventionGenetics, part of Exact Sciences
Classification: Likely benign for GALE-related condition. Last evaluated: 2026-07-10. Review status: criteria provided, single submitter. Criteria: ACMG Guidelines, 2015. Collection method: clinical testing. Allele origin: germline.
Comment: This variant is classified as likely benign based on ACMG/AMP sequence variant interpretation guidelines (Richards et al. 2015 PMID: 25741868, with internal and published modifications).

Labcorp Genetics (formerly Invitae), Labcorp
Classification: Likely benign for UDPglucose-4-epimerase deficiency. Last evaluated: 2024-01-04. Review status: criteria provided, single submitter. Criteria: Invitae Variant Classification Sherloc (09022015). Collection method: clinical testing. Allele origin: germline.